The following is an entry in ClinVar:

NM_001122769.3(LCA5):c.2091A>C (p.Arg697Ser)

Gene: LCA5 (lebercilin LCA5; minus strand). Cytogenetic location: 6q14.1.
Variant type: single nucleotide variant.
Coding change: c.2091A>C on transcript NM_001122769.3 (MANE Select); coding-DNA position 2091, A replaced by C.
Protein change: p.Arg697Ser; replaces arginine 697 with serine.
Molecular consequence: missense variant.
Genome position (GRCh38, 1-based): chr6:79,487,007, T>G on the plus strand (A>C on the coding strand, the complement: LCA5 is on the minus strand). VCF-style: chr6-79487007-T-G. GRCh37 (hg19) VCF-style: chr6-80196724-T-G.
Other names: c.2091A>C, p.Arg697Ser (NM_181714.4); short protein forms R697S.
Identifiers: ClinVar variation 1014991 (VCV001014991.5), dbSNP rs1769676773, ClinGen allele CA364636256.
Genomic context (GRCh38, chr6:79,487,007, plus strand): 5'-ATACTGTATTAAAATATTTCAATATTTACAATTAGAAAAAATGTATACTCTAGTCAGTCA[T>G]CTCAGTGCTACTTCTTCAATTTCATCTTCTACAGAATCAGCTGCTTTTACTGCTGGTTTA-3'
Protein context (NP_001116241.1, residues 687-697): VEDEIEEVAL[Arg697Ser]

ClinVar aggregate classification (germline): Uncertain significance (1 of 4 stars; one submission).

Allele frequency attached by ClinVar (database versions not stated): gnomAD exomes below 0.00001.
gnomAD v4.1: 2 of 1,612,046 alleles (0.00012%); highest among the groups gnomAD compares: South Asian, 0.0022%; no homozygotes.

Submission:

Labcorp Genetics (formerly Invitae), Labcorp
Classification: Uncertain significance. Last evaluated: 2022-07-06. Review status: criteria provided, single submitter. Criteria: Invitae Variant Classification Sherloc (09022015). Collection method: clinical testing. Allele origin: germline.
Comment: In summary, the available evidence is currently insufficient to determine the role of this variant in disease. Therefore, it has been classified as a Variant of Uncertain Significance. Algorithms developed to predict the effect of missense changes on protein structure and function are either unavailable or do not agree on the potential impact of this missense change (SIFT: "Deleterious"; PolyPhen-2: "Probably Damaging"; Align-GVGD: "Class C0"). ClinVar contains an entry for this variant (Variation ID: 1014991). This variant has not been reported in the literature in individuals affected with LCA5-related conditions. This variant is not present in population databases (gnomAD no frequency). This sequence change replaces arginine, which is basic and polar, with serine, which is neutral and polar, at codon 697 of the LCA5 protein (p.Arg697Ser).